The following is an entry in ClinVar:

ClinVar aggregate classification (germline): Uncertain significance (1 of 4 stars; one submission).

Conditions:
Norman-Roberts syndrome (LIS2). Also called: Lissencephaly 2 (Norman-Roberts type). Identifiers: Orphanet 89844, MedGen C0796089, MONDO:0009760, OMIM 257320.
Familial temporal lobe epilepsy 7. Identifiers: Orphanet 101046, MedGen C4225327, MONDO:0014639, OMIM 616436.

Allele frequency attached by ClinVar (database versions not stated): gnomAD exomes below 0.00001; TOPMed below 0.00001.
gnomAD v4.1: 1 of 1,614,204 alleles (0.000062%); highest among the groups gnomAD compares: Non-Finnish European, 0.000085%; no homozygotes.

Submission:

Labcorp Genetics (formerly Invitae), Labcorp
Classification: Uncertain significance for Familial temporal lobe epilepsy 7; Norman-Roberts syndrome. Last evaluated: 2020-12-02. Review status: criteria provided, single submitter. Criteria: Invitae Variant Classification Sherloc (09022015). Collection method: clinical testing. Allele origin: germline.
Comment: In summary, the available evidence is currently insufficient to determine the role of this variant in disease. Therefore, it has been classified as a Variant of Uncertain Significance. Algorithms developed to predict the effect of missense changes on protein structure and function are either unavailable or do not agree on the potential impact of this missense change (SIFT: "Deleterious"; PolyPhen-2: "Probably Damaging"; Align-GVGD: "Class C0"). This variant has not been reported in the literature in individuals with RELN-related conditions. This variant is not present in population databases (ExAC no frequency). This sequence change replaces asparagine with lysine at codon 2373 of the RELN protein (p.Asn2373Lys). The asparagine residue is moderately conserved and there is a moderate physicochemical difference between asparagine and lysine.

NM_005045.4(RELN):c.7119T>G (p.Asn2373Lys)

Gene: RELN (reelin; minus strand). Cytogenetic location: 7q22.1.
Variant type: single nucleotide variant.
Coding change: c.7119T>G on transcript NM_005045.4 (MANE Select); coding-DNA position 7119, T replaced by G.
Protein change: p.Asn2373Lys; replaces asparagine 2373 with lysine.
Molecular consequence: missense variant.
Genome position (GRCh38, 1-based): chr7:103,539,139, A>C on the plus strand (T>G on the coding strand, the complement: RELN is on the minus strand). VCF-style: chr7-103539139-A-C. GRCh37 (hg19) VCF-style: chr7-103179586-A-C.
Other names: c.7119T>G, p.Asn2373Lys (NM_173054.3); short protein forms N2373K.
Identifiers: ClinVar variation 1515531 (VCV001515531.8), dbSNP rs1830120492, ClinGen allele CA368769110.